The following is an entry in ClinVar:

ClinVar aggregate classification (germline): Benign/Likely benign. Review status: criteria provided, multiple submitters, no conflicts (2 of 4 stars). 9 submissions from 9 submitters: Benign (1); Likely benign (5). 3 of the submissions do not count toward it. Last evaluated 2026-06-01.

Conditions:
SYNE2-related disorder. Also called: SYNE2-related condition.
Emery-Dreifuss muscular dystrophy 5, autosomal dominant (EDMD5). Also called: EMERY-DREIFUSS MUSCULAR DYSTROPHY 5. Identifiers: Orphanet 261, MedGen C2751805, MONDO:0013072, OMIM 612999.

Allele frequency attached by ClinVar (database versions not stated): gnomAD 0.00086; ESP Exome Variant Server 0.00100; TOPMed 0.00108.
gnomAD v4.1: 2,352 of 1,614,150 alleles (0.15%); highest among the groups gnomAD compares: Middle Eastern, 0.2%; 1 homozygote.

Submissions (9):

CeGaT Center for Human Genetics Tuebingen
Classification: Likely benign. Last evaluated: 2026-06-01. Review status: criteria provided, single submitter. Criteria: CeGaT Center For Human Genetics Tuebingen Variant Classification Criteria Version 2. Collection method: clinical testing. Allele origin: germline. Affected: yes. Observed: 5 variant alleles.
Comment: SYNE2: BP4, BS1:Supporting, BS2

Labcorp Genetics (formerly Invitae), Labcorp
Classification: Likely benign for Emery-Dreifuss muscular dystrophy 5, autosomal dominant. Last evaluated: 2026-01-28. Review status: criteria provided, single submitter. Criteria: Invitae Variant Classification Sherloc (09022015). Collection method: clinical testing. Allele origin: germline.

Blueprint Genetics
Classification: Likely benign. Last evaluated: 2024-11-13. Review status: criteria provided, single submitter. Criteria: ACMG Guidelines, 2015. Collection method: clinical testing. Allele origin: germline.

Illumina Laboratory Services, Illumina
Classification: Benign for Emery-Dreifuss muscular dystrophy 5, autosomal dominant. Last evaluated: 2018-01-12. Review status: criteria provided, single submitter. Criteria: ICSL Variant Classification Criteria 13 December 2019. Collection method: clinical testing. Allele origin: germline.
Comment: This variant was observed in the ICSL laboratory as part of a predisposition screen in an ostensibly healthy population. It had not been previously curated by ICSL or reported in the Human Gene Mutation Database (HGMD: prior to June 1st, 2018), and was therefore a candidate for classification through an automated scoring system. Utilizing variant allele frequency, disease prevalence and penetrance estimates, and inheritance mode, an automated score was calculated to assess if this variant is too frequent to cause the disease. Based on the score and internal cut-off values, a variant classified as benign is not then subjected to further curation. The score for this variant resulted in a classification of benign for this disease.

Eurofins Ntd Llc (ga)
Classification: Likely benign. Last evaluated: 2015-09-09. Review status: criteria provided, single submitter. Criteria: EGL Classification Definitions 2015. Collection method: clinical testing. Allele origin: germline. Observed: 3 variant alleles, 3 heterozygotes.

Breakthrough Genomics
Classification: Likely benign. Review status: criteria provided, single submitter. Criteria: ACMG Guidelines, 2015. Collection method: not provided. Allele origin: germline. Inheritance: Autosomal dominant inheritance. Affected: yes.

PreventionGenetics, part of Exact Sciences
Classification: Likely benign for SYNE2-related condition. Last evaluated: 2019-05-10. Review status: no assertion criteria provided. Collection method: clinical testing. Allele origin: germline. Not counted in ClinVar's aggregate classification.
Comment: This variant is classified as likely benign based on ACMG/AMP sequence variant interpretation guidelines (Richards et al. 2015 PMID: 25741868, with internal and published modifications).

Diagnostic Laboratory, Department of Genetics, University Medical Center Groningen
Classification: Likely benign. Review status: no assertion criteria provided. Collection method: clinical testing. Allele origin: germline. Affected: yes. Study: VKGL Data-share Consensus. Not counted in ClinVar's aggregate classification.

Genome Diagnostics Laboratory, University Medical Center Utrecht
Classification: Likely benign. Review status: no assertion criteria provided. Collection method: clinical testing. Allele origin: germline. Affected: yes. Study: VKGL Data-share Consensus. Not counted in ClinVar's aggregate classification.

NM_182914.3(SYNE2):c.14792A>G (p.Lys4931Arg)

Gene: SYNE2 (spectrin repeat containing nuclear envelope protein 2; plus strand). Cytogenetic location: 14q23.2.
Variant type: single nucleotide variant.
Coding change: c.14792A>G on transcript NM_182914.3 (MANE Select); coding-DNA position 14792, A replaced by G.
Protein change: p.Lys4931Arg; replaces lysine 4931 with arginine.
Molecular consequence: missense variant.
Genome position (GRCh38, 1-based): chr14:64,137,932, A>G. VCF-style: chr14-64137932-A-G. GRCh37 (hg19) VCF-style: chr14-64604650-A-G.
Other names: c.14792A>G, p.Lys4931Arg (NM_015180.6); short protein forms K4931R.
Identifiers: ClinVar variation 198682 (VCV000198682.50), dbSNP rs147640636, ClinGen allele CA247484.